The following is an entry in ClinVar:

NM_000466.3(PEX1):c.657_660del (p.Ser220fs)

Gene: PEX1 (peroxisomal biogenesis factor 1; minus strand). Cytogenetic location: 7q21.2.
Variant type: Deletion.
Coding change: c.657_660del on transcript NM_000466.3 (MANE Select); coding-DNA positions 657 to 660, 4 bases deleted (GTCA; older notation c.657_660delGTCA).
Protein change: p.Ser220fs; shifts the reading frame from serine 220.
Molecular consequence: frameshift variant.
Genome position (GRCh38, 1-based): chr7:92,517,855-92,517,858, TGAC deleted on the plus strand (GTCA on the coding strand, the reverse complement: PEX1 is on the minus strand); deleting any 4 consecutive bases within chr7:92,517,855-92,517,861 gives the same sequence; the c. name uses the placement nearest the transcript's 3' end. VCF-style (leftmost placement, unchanged base first): chr7-92517854-TTGAC-T. GRCh37 (hg19) VCF-style: chr7-92147168-TTGAC-T.
Other names: c.657_660del, p.Ser220fs (NM_001282677.2); c.33_36del, p.Ser12fs (NM_001282678.2); short protein forms S12fs, S220fs.
Identifiers: ClinVar variation 191337 (VCV000191337.8), dbSNP rs786205656, ClinGen allele CA236457.

ClinVar aggregate classification (germline): Pathogenic/Likely pathogenic. Review status: criteria provided, multiple submitters, no conflicts (2 of 4 stars). 3 submissions from 3 submitters: Pathogenic (2); Likely pathogenic (1). Last evaluated 2024-02-17.

Conditions:
Zellweger spectrum disorders (ZS). Also called: Zellweger Spectrum Disorder; Zellweger Spectrum; Zellweger syndrome; Zellweger Spectrum Disorder (ZSD). Identifiers: Orphanet 912, MedGen C0043459, MONDO:0019609.
Heimler syndrome 1 (HMLR1). Also called: PEROXISOME BIOGENESIS DISORDER 1C. Identifiers: Orphanet 3220, MedGen C4551980, OMIM 234580, MONDO:0024544.

Submissions (3):

Baylor Genetics
Classification: Pathogenic for Heimler syndrome 1. Last evaluated: 2024-02-17. Review status: criteria provided, single submitter. Criteria: ACMG Guidelines, 2015. Collection method: clinical testing. Allele origin: unknown.

Labcorp Genetics (formerly Invitae), Labcorp
Classification: Pathogenic for Zellweger spectrum disorders. Last evaluated: 2020-11-26. Review status: criteria provided, single submitter. Criteria: Invitae Variant Classification Sherloc (09022015). Collection method: clinical testing. Allele origin: germline.
Comment: This sequence change creates a premature translational stop signal (p.Ser220Ilefs*22) in the PEX1 gene. It is expected to result in an absent or disrupted protein product. Loss-of-function variants in PEX1 are known to be pathogenic (PMID: 9398847, 16086329, 16141001, 21031596, 26387595, 31831025). This variant is not present in population databases (ExAC no frequency). This variant has not been reported in the literature in individuals with PEX1-related conditions. ClinVar contains an entry for this variant (Variation ID: 191337). For these reasons, this variant has been classified as Pathogenic.

Genomic Medicine Center of Excellence, King Faisal Specialist Hospital and Research Centre
Classification: Likely pathogenic. Review status: criteria provided, single submitter. Criteria: ACMG Guidelines, 2015. Collection method: research. Allele origin: germline. Affected: yes.

Literature cited by the submitters: PubMed 9398847 (cited by Labcorp Genetics (formerly Invitae), Labcorp); PubMed 16086329 (cited by Labcorp Genetics (formerly Invitae), Labcorp); PubMed 16141001 (cited by Labcorp Genetics (formerly Invitae), Labcorp); PubMed 21031596 (cited by Labcorp Genetics (formerly Invitae), Labcorp); PubMed 26387595 (cited by Labcorp Genetics (formerly Invitae), Labcorp); PubMed 31831025 (cited by Labcorp Genetics (formerly Invitae), Labcorp).